The following is an entry in ClinVar:

NM_000257.4(MYH7):c.114C>T (p.Phe38=)

Gene: MYH7 (myosin heavy chain 7; minus strand). Cytogenetic location: 14q11.2.
Variant type: single nucleotide variant.
Coding change: c.114C>T on transcript NM_000257.4 (MANE Select); coding-DNA position 114, C replaced by T.
Protein change: p.Phe38=; no amino-acid change (phenylalanine 38 retained).
Molecular consequence: synonymous variant.
Genome position (GRCh38, 1-based): chr14:23,433,619, G>A on the plus strand (C>T on the coding strand, the complement: MYH7 is on the minus strand). VCF-style: chr14-23433619-G-A. GRCh37 (hg19) VCF-style: chr14-23902828-G-A.
Identifiers: ClinVar variation 227594 (VCV000227594.22), dbSNP rs146210693, ClinGen allele CA027761.

ClinVar aggregate classification (germline): Conflicting classifications of pathogenicity. Review status: criteria provided, conflicting classifications (1 of 4 stars). 6 submissions from 6 submitters: Uncertain significance (2); Likely benign (4). Last evaluated 2026-01-25.

Conditions:
Cardiovascular phenotype. Identifiers: MedGen CN230736.
Cardiomyopathy (CMYO). Also called: Cardiomyopathies. Identifiers: Orphanet 167848, MedGen C0878544, MONDO:0004994, HP:0001638. Inheritance: Various modes of inheritance.
Hypertrophic cardiomyopathy. Also called: HYPERTROPHIC MYOCARDIOPATHY. Identifiers: Orphanet 217569, MedGen C0007194, MeSH D002312, MONDO:0005045, HP:0001639.

Allele frequency attached by ClinVar (database versions not stated): gnomAD exomes 0.00001; ExAC 0.00002; TOPMed 0.00003; gnomAD 0.00006 and 0.00007; ESP Exome Variant Server 0.00008.
gnomAD v4.1: 21 of 1,614,118 alleles (0.0013%); highest among the groups gnomAD compares: African/African-American, 0.015%; no homozygotes.

Submissions (6):

Labcorp Genetics (formerly Invitae), Labcorp
Classification: Likely benign for Hypertrophic cardiomyopathy. Last evaluated: 2026-01-25. Review status: criteria provided, single submitter. Criteria: Invitae Variant Classification Sherloc (09022015). Collection method: clinical testing. Allele origin: germline.

All of Us Research Program, National Institutes of Health
Classification: Likely benign for Cardiomyopathy. Last evaluated: 2024-07-10. Review status: criteria provided, single submitter. Criteria: ACMG Guidelines, 2015. Collection method: clinical testing. Allele origin: germline. Inheritance: Autosomal dominant inheritance. Observed: 2 variant alleles, 2 heterozygotes.
Comment: This study involves interpretation of variants in research participants for the purpose of population health screening. Participant phenotype was not available at the time of variant classification. Additional details can be found in publication PMID: 35346344, PMCID: PMC8962531

Ambry Genetics
Classification: Uncertain significance for Cardiovascular phenotype. Last evaluated: 2021-04-06. Review status: criteria provided, single submitter. Criteria: Ambry Variant Classification Scheme 2023. Collection method: clinical testing. Allele origin: germline.
Comment: The c.114C>T variant (also known as p.F38F), located in coding exon 1 of the MYH7 gene, results from a C to T substitution at nucleotide position 114. This nucleotide substitution does not change the phenylalanine at codon 38. This nucleotide position is poorly conserved in available vertebrate species. In silico splice site analysis predicts that this alteration may result in the creation or strengthening of a novel splice acceptor site. Since supporting evidence is limited at this time, the clinical significance of this alteration remains unclear.

Color Diagnostics, LLC DBA Color Health
Classification: Likely benign for Cardiomyopathy. Last evaluated: 2018-11-27. Review status: criteria provided, single submitter. Criteria: ACMG Guidelines, 2015. Collection method: clinical testing. Allele origin: germline.

Eurofins Ntd Llc (ga)
Classification: Uncertain significance. Last evaluated: 2017-08-08. Review status: criteria provided, single submitter. Criteria: EGL Classification Definitions 2015. Collection method: clinical testing. Allele origin: germline. Observed: 1 variant allele, 1 heterozygote.

Laboratory for Molecular Medicine, Mass General Brigham Personalized Medicine
Classification: Likely benign. Last evaluated: 2015-11-27. Review status: criteria provided, single submitter. Criteria: LMM Criteria. Collection method: clinical testing. Allele origin: germline. Observed: 1 variant allele.
Comment: p.Phe38Phe in exon 03 of MYH7: This variant is not expected to have clinical sig nificance because it does not alter an amino acid residue and is not located wit hin the splice consensus sequence. It has been identified in 2/10400 African chr omosomes by the Exome Aggregation Consortium (ExAC, rg; dbSNP rs146210693).